The following is an entry in ClinVar:

ClinVar aggregate classification (germline): Benign. Review status: criteria provided, multiple submitters, no conflicts (2 of 4 stars). 3 submissions from 3 submitters: Benign (3). Last evaluated 2026-01-26.

Conditions:
Retinitis pigmentosa (RP). Identifiers: Orphanet 791, MedGen C0035334, MeSH D012174, MONDO:0019200, OMIM 268000. Inheritance: Autosomal dominant, autosomal recessive and X linked inheritance.

Allele frequency attached by ClinVar (database versions not stated): gnomAD 0.00728 and 0.00786; TOPMed 0.00792; 1000 Genomes Project 0.00859; ESP Exome Variant Server 0.00900; 1000 Genomes Project 30x 0.00921.
gnomAD v4.1: 2,220 of 1,614,122 alleles (0.14%); highest among the groups gnomAD compares: African/African-American, 2.6%; 21 homozygotes.

Submissions (3):

Labcorp Genetics (formerly Invitae), Labcorp
Classification: Benign. Last evaluated: 2026-01-26. Review status: criteria provided, single submitter. Criteria: Invitae Variant Classification Sherloc (09022015). Collection method: clinical testing. Allele origin: germline.

Illumina Laboratory Services, Illumina
Classification: Benign for Retinitis pigmentosa. Last evaluated: 2017-05-01. Review status: criteria provided, single submitter. Criteria: ICSL Variant Classification Criteria 13 December 2019. Collection method: clinical testing. Allele origin: germline.
Comment: This variant was observed as part of a predisposition screen in an ostensibly healthy population. A literature search was performed for the gene, cDNA change, and amino acid change (where applicable). Publications were found based on this search. The evidence from the literature, in combination with allele frequency data from public databases where available, was sufficient to rule this variant out of causing disease. Therefore, this variant is classified as benign.

Breakthrough Genomics
Classification: Benign. Review status: criteria provided, single submitter. Criteria: ACMG Guidelines, 2015. Collection method: not provided. Allele origin: germline. Inheritance: Autosomal recessive inheritance. Affected: yes.

Literature cited by the submitters: PubMed 19074801 (cited by Illumina Laboratory Services, Illumina).

NM_002900.3(RBP3):c.3546C>T (p.His1182=)

Gene: RBP3 (retinol binding protein 3; plus strand). Cytogenetic location: 10q11.22.
Variant type: single nucleotide variant.
Coding change: c.3546C>T on transcript NM_002900.3 (MANE Select); coding-DNA position 3546, C replaced by T.
Protein change: p.His1182=; no amino-acid change (histidine 1182 retained).
Molecular consequence: synonymous variant.
Genome position (GRCh38, 1-based): chr10:47,357,259, C>T. VCF-style: chr10-47357259-C-T. GRCh37 (hg19) VCF-style: chr10-48382103-G-A.
Identifiers: ClinVar variation 713874 (VCV000713874.14), dbSNP rs74578742, ClinGen allele CA5487017.
Genomic context (GRCh38, chr10:47,357,259, plus strand): 5'-CCGGGCCCTGGTCATTGGGGAGGTGACCAGTGGGGGCTGCCAGCCACCACAGACCTACCA[C>T]GTGGATGACACCAACCTCTACCTCACTATCCCCACGGCCCGTTCTGTGGGGGCCTCGGAT-3'
Protein context (NP_002891.1, residues 1172-1192): SGGCQPPQTY[His1182=]VDDTNLYLTI